The following is an entry in ClinVar:

NM_053025.4(MYLK):c.1714G>A (p.Asp572Asn)

Gene: MYLK (myosin light chain kinase; minus strand). Cytogenetic location: 3q21.1.
Variant type: single nucleotide variant.
Coding change: c.1714G>A on transcript NM_053025.4 (MANE Select); coding-DNA position 1714, G replaced by A.
Protein change: p.Asp572Asn; replaces aspartic acid 572 with asparagine.
Molecular consequence: missense variant.
Genome position (GRCh38, 1-based): chr3:123,722,218, C>T on the plus strand (G>A on the coding strand, the complement: MYLK is on the minus strand). VCF-style: chr3-123722218-C-T. GRCh37 (hg19) VCF-style: chr3-123441065-C-T.
Other names: c.1186G>A, p.Asp396Asn (NM_001321309.2); c.1507G>A, p.Asp503Asn (NM_053026.4, NM_053028.4); c.1714G>A, p.Asp572Asn (NM_053027.4); short protein forms D572N, D396N, D503N.
Identifiers: ClinVar variation 3695591 (VCV003695591.2).

ClinVar aggregate classification (germline): Uncertain significance (1 of 4 stars; one submission).

Conditions:
Aortic aneurysm, familial thoracic 7 (AAT7). Also called: AORTIC DISSECTION, FAMILIAL, WITH OR WITHOUT AORTIC ANEURYSM. Identifiers: MedGen C3151077, MONDO:0013418, OMIM 613780.

gnomAD v4.1: 1 of 1,563,128 alleles (0.000064%); highest among the groups gnomAD compares: Non-Finnish European, 0.000087%; no homozygotes.

Submission:

Labcorp Genetics (formerly Invitae), Labcorp
Classification: Uncertain significance for Aortic aneurysm, familial thoracic 7. Last evaluated: 2025-10-02. Review status: criteria provided, single submitter. Criteria: Invitae Variant Classification Sherloc (09022015). Collection method: clinical testing. Allele origin: germline.
Comment: This sequence change replaces aspartic acid, which is acidic and polar, with asparagine, which is neutral and polar, at codon 572 of the MYLK protein (p.Asp572Asn). This variant is not present in population databases (gnomAD no frequency). This variant has not been reported in the literature in individuals affected with MYLK-related conditions. ClinVar contains an entry for this variant (Variation ID: 3695591). Invitae Evidence Modeling of protein sequence and biophysical properties (such as structural, functional, and spatial information, amino acid conservation, physicochemical variation, residue mobility, and thermodynamic stability) indicates that this missense variant is not expected to disrupt MYLK protein function with a negative predictive value of 80%. In summary, the available evidence is currently insufficient to determine the role of this variant in disease. Therefore, it has been classified as a Variant of Uncertain Significance.